The following is an entry in ClinVar:

NM_014014.5(SNRNP200):c.2749G>T (p.Val917Leu)

Gene: SNRNP200 (small nuclear ribonucleoprotein U5 subunit 200; minus strand). Cytogenetic location: 2q11.2.
Variant type: single nucleotide variant.
Coding change: c.2749G>T on transcript NM_014014.5 (MANE Select); coding-DNA position 2749, G replaced by T.
Protein change: p.Val917Leu; replaces valine 917 with leucine.
Molecular consequence: missense variant.
Genome position (GRCh38, 1-based): chr2:96,289,990, C>A on the plus strand (G>T on the coding strand, the complement: SNRNP200 is on the minus strand). VCF-style: chr2-96289990-C-A. GRCh37 (hg19) VCF-style: chr2-96955728-C-A.
Other names: short protein forms V917L.
Identifiers: ClinVar variation 1513763 (VCV001513763.8), dbSNP rs2063874357, ClinGen allele CA347675285.

ClinVar aggregate classification (germline): Uncertain significance (1 of 4 stars; one submission).

Allele frequency attached by ClinVar (database versions not stated): TOPMed 0.00001.
gnomAD v4.1: 2 of 1,614,158 alleles (0.00012%); highest among the groups gnomAD compares: Non-Finnish European, 0.00017%; no homozygotes.

Submission:

Labcorp Genetics (formerly Invitae), Labcorp
Classification: Uncertain significance. Last evaluated: 2021-02-27. Review status: criteria provided, single submitter. Criteria: Invitae Variant Classification Sherloc (09022015). Collection method: clinical testing. Allele origin: germline.
Comment: Algorithms developed to predict the effect of missense changes on protein structure and function (SIFT, PolyPhen-2, Align-GVGD) all suggest that this variant is likely to be tolerated, but these predictions have not been confirmed by published functional studies and their clinical significance is uncertain. This sequence change replaces valine with leucine at codon 917 of the SNRNP200 protein (p.Val917Leu). The valine residue is highly conserved and there is a small physicochemical difference between valine and leucine. This variant is not present in population databases (ExAC no frequency). This variant has not been reported in the literature in individuals with SNRNP200-related conditions. In summary, the available evidence is currently insufficient to determine the role of this variant in disease. Therefore, it has been classified as a Variant of Uncertain Significance.